The following is an entry in ClinVar:

NM_022124.6(CDH23):c.2560C>T (p.Arg854Cys)

Gene: CDH23 (cadherin related 23; plus strand). Cytogenetic location: 10q22.1.
Variant type: single nucleotide variant.
Coding change: c.2560C>T on transcript NM_022124.6 (MANE Select); coding-DNA position 2560, C replaced by T.
Protein change: p.Arg854Cys; replaces arginine 854 with cysteine.
Molecular consequence: missense variant.
Genome position (GRCh38, 1-based): chr10:71,702,184, C>T. VCF-style: chr10-71702184-C-T. GRCh37 (hg19) VCF-style: chr10-73461941-C-T.
Other names: c.2560C>T, p.Arg854Cys (NM_001171930.2, NM_001171931.2); short protein forms R854C.
Identifiers: ClinVar variation 1027562 (VCV001027562.6), dbSNP rs768340895, ClinGen allele CA5544249.

ClinVar aggregate classification (germline): Uncertain significance. Review status: criteria provided, multiple submitters, no conflicts (2 of 4 stars). 3 submissions from 3 submitters: Uncertain significance (2). 1 of the submissions does not count toward it. Last evaluated 2022-08-03.

Conditions:
Usher syndrome type 1 (USH1). Also called: RETINITIS PIGMENTOSA AND CONGENITAL DEAFNESS. Identifiers: Orphanet 231169, Orphanet 886, MedGen C1568247, MONDO:0010168, OMIM 276900.
Childhood onset hearing loss.

Allele frequency attached by ClinVar (database versions not stated): gnomAD exomes below 0.00001 and 0.00001; TOPMed 0.00003; gnomAD 0.00004 and 0.00003; ExAC 0.00001.
gnomAD v4.1: 16 of 1,613,706 alleles (0.00099%); highest among the groups gnomAD compares: African/African-American, 0.013%; no homozygotes.

Submissions (3):

Labcorp Genetics (formerly Invitae), Labcorp
Classification: Uncertain significance. Last evaluated: 2022-08-03. Review status: criteria provided, single submitter. Criteria: Invitae Variant Classification Sherloc (09022015). Collection method: clinical testing. Allele origin: germline.
Comment: This sequence change replaces arginine, which is basic and polar, with cysteine, which is neutral and slightly polar, at codon 854 of the CDH23 protein (p.Arg854Cys). This variant is present in population databases (rs768340895, gnomAD 0.004%). This variant has not been reported in the literature in individuals affected with CDH23-related conditions. ClinVar contains an entry for this variant (Variation ID: 1027562). Algorithms developed to predict the effect of missense changes on protein structure and function are either unavailable or do not agree on the potential impact of this missense change (SIFT: "Deleterious"; PolyPhen-2: "Not Available"; Align-GVGD: "Class C65"). In summary, the available evidence is currently insufficient to determine the role of this variant in disease. Therefore, it has been classified as a Variant of Uncertain Significance.

National Institute on Deafness and Communication Disorders, National Institutes of Health
Classification: Uncertain significance for Childhood onset hearing loss. Last evaluated: 2021-07-08. Review status: criteria provided, single submitter. Criteria: ClinGen HL ACMG Specifications v1. Collection method: research. Allele origin: germline. Inheritance: Autosomal recessive inheritance. Affected: yes. Observed: 1 heterozygote. Segregation with disease not observed.
Comment: PM2, PP3 (non REVEL) / Modifications from PMID: 30311386 for classification: The genetic causes of hearing loss have not yet been well characterized in the Yoruba population, and the information regarding variant MAF in this population is still limited, so we did not exclude any variant based on their "high" MAF. PP3 criteria was applied even if the REVEL score was below 0.7, if at least two of the pathogenicity prediction algorithms used predicted that the variant was damaging or likely damaging.

was found associated with NM_022124.6:c.3074G>A

Natera, Inc.
Classification: Uncertain significance for Usher syndrome type 1. Last evaluated: 2020-08-01. Review status: no assertion criteria provided. Collection method: clinical testing. Allele origin: germline. Not counted in ClinVar's aggregate classification.